The following is an entry in ClinVar:

ClinVar aggregate classification (germline): Uncertain significance. Review status: criteria provided, multiple submitters, no conflicts (2 of 4 stars). 3 submissions from 3 submitters: Uncertain significance (3). Last evaluated 2025-09-12.

Conditions:
NEFL-related disorder. Also called: NEFL-related condition.
Charcot-Marie-Tooth disease type 2E (CMT2E). Also called: CHARCOT-MARIE-TOOTH DISEASE, AXONAL, TYPE 2E; CHARCOT-MARIE-TOOTH NEUROPATHY, TYPE 2E. Identifiers: Orphanet 99939, MedGen C1843225, MONDO:0011894, OMIM 607684.

Allele frequency attached by ClinVar (database versions not stated): gnomAD 0.00001; TOPMed 0.00001; ExAC 0.00002; gnomAD exomes 0.00002; ESP Exome Variant Server 0.00008.
gnomAD v4.1: 4 of 1,601,534 alleles (0.00025%); highest among the groups gnomAD compares: Admixed American, 0.0017%; no homozygotes.

Submissions (3):

PreventionGenetics, part of Exact Sciences
Classification: Uncertain significance for NEFL-related condition. Last evaluated: 2025-09-12. Review status: criteria provided, single submitter. Criteria: ACMG Guidelines, 2015. Collection method: clinical testing. Allele origin: germline.
Comment: The NEFL c.1532G>A variant is predicted to result in the amino acid substitution p.Gly511Glu. To our knowledge, this variant has not been reported in the literature. This variant is reported in 0.0036% of alleles in individuals of European (non-Finnish) descent in gnomAD. At this time, the clinical significance of this variant is uncertain due to the absence of conclusive functional and genetic evidence.

Labcorp Genetics (formerly Invitae), Labcorp
Classification: Uncertain significance for Charcot-Marie-Tooth disease type 2E. Last evaluated: 2023-03-14. Review status: criteria provided, single submitter. Criteria: Invitae Variant Classification Sherloc (09022015). Collection method: clinical testing. Allele origin: germline.
Comment: Advanced modeling of protein sequence and biophysical properties (such as structural, functional, and spatial information, amino acid conservation, physicochemical variation, residue mobility, and thermodynamic stability) has been performed at Invitae for this missense variant, however the output from this modeling did not meet the statistical confidence thresholds required to predict the impact of this variant on NEFL protein function. In summary, the available evidence is currently insufficient to determine the role of this variant in disease. Therefore, it has been classified as a Variant of Uncertain Significance. ClinVar contains an entry for this variant (Variation ID: 1163019). This variant has not been reported in the literature in individuals affected with NEFL-related conditions. This variant is present in population databases (rs377758736, gnomAD 0.004%). This sequence change replaces glycine, which is neutral and non-polar, with glutamic acid, which is acidic and polar, at codon 511 of the NEFL protein (p.Gly511Glu).

Mayo Clinic Laboratories, Mayo Clinic
Classification: Uncertain significance. Last evaluated: 2019-07-15. Review status: criteria provided, single submitter. Criteria: ACMG Guidelines, 2015. Collection method: clinical testing. Allele origin: germline. Observed: 1 variant allele.

NM_006158.5(NEFL):c.1532G>A (p.Gly511Glu)

Gene: NEFL (neurofilament light chain; minus strand). Cytogenetic location: 8p21.2.
Variant type: single nucleotide variant.
Coding change: c.1532G>A on transcript NM_006158.5 (MANE Select); coding-DNA position 1532, G replaced by A.
Protein change: p.Gly511Glu; replaces glycine 511 with glutamic acid.
Molecular consequence: missense variant.
Genome position (GRCh38, 1-based): chr8:24,952,910, C>T on the plus strand (G>A on the coding strand, the complement: NEFL is on the minus strand). VCF-style: chr8-24952910-C-T. GRCh37 (hg19) VCF-style: chr8-24810423-C-T.
Other names: short protein forms G511E.
Identifiers: ClinVar variation 1163019 (VCV001163019.9), dbSNP rs377758736, ClinGen allele CA4681241.